The following is an entry in ClinVar:

ClinVar aggregate classification (germline): Uncertain significance (1 of 4 stars; one submission).

Conditions:
Glycogen storage disease type III (GSD3). Also called: Cori disease; FORBES DISEASE. Identifiers: Orphanet 366, MedGen C0017922, MONDO:0009291, OMIM 232400.

Allele frequency attached by ClinVar (database versions not stated): TOPMed below 0.00001; gnomAD 0.00001.
gnomAD v4.1: 11 of 1,613,946 alleles (0.00068%); highest among the groups gnomAD compares: Non-Finnish European, 0.00093%; no homozygotes.

Submission:

Labcorp Genetics (formerly Invitae), Labcorp
Classification: Uncertain significance for Glycogen storage disease type III. Last evaluated: 2022-08-09. Review status: criteria provided, single submitter. Criteria: Invitae Variant Classification Sherloc (09022015). Collection method: clinical testing. Allele origin: germline.
Comment: This sequence change replaces methionine, which is neutral and non-polar, with valine, which is neutral and non-polar, at codon 463 of the AGL protein (p.Met463Val). This variant is not present in population databases (gnomAD no frequency). This variant has not been reported in the literature in individuals affected with AGL-related conditions. ClinVar contains an entry for this variant (Variation ID: 1464418). Algorithms developed to predict the effect of missense changes on protein structure and function are either unavailable or do not agree on the potential impact of this missense change (SIFT: "Tolerated"; PolyPhen-2: "Probably Damaging"; Align-GVGD: "Class C0"). In summary, the available evidence is currently insufficient to determine the role of this variant in disease. Therefore, it has been classified as a Variant of Uncertain Significance.

NM_000642.3(AGL):c.1387A>G (p.Met463Val)

Gene: AGL (amylo-alpha-1,6-glucosidase and 4-alpha-glucanotransferase; plus strand). Cytogenetic location: 1p21.2.
Variant type: single nucleotide variant.
Coding change: c.1387A>G on transcript NM_000642.3 (MANE Select); coding-DNA position 1387, A replaced by G.
Protein change: p.Met463Val; replaces methionine 463 with valine.
Molecular consequence: missense variant.
Genome position (GRCh38, 1-based): chr1:99,876,561, A>G. VCF-style: chr1-99876561-A-G. GRCh37 (hg19) VCF-style: chr1-100342117-A-G.
Other names: c.1387A>G, p.Met463Val (NM_000028.3, NM_000643.3, NM_000644.3 and 2 more transcripts); c.1339A>G, p.Met447Val (NM_000646.3); c.1186A>G, p.Met396Val (NM_001425327.1); c.1183A>G, p.Met395Val (NM_001425328.1, NM_001425329.1); c.1009A>G, p.Met337Val (NM_001425332.1); short protein forms M463V, M447V, M337V, M395V, M396V.
Identifiers: ClinVar variation 1464418 (VCV001464418.5), dbSNP rs1557759698, ClinGen allele CA341346561.
Genomic context (GRCh38, chr1:99,876,561, plus strand): 5'-GAATCTATGATTCATCTGCCAAATAAAGCTTGTTTTCTGATGGCACACAATGGATGGGTA[A>G]TGGGAGATGATCCTCTTCGAAACTTTGCTGAACCGGGTATGTAATTTTTAACTTCTCTGT-3'
Protein context (NP_000633.2, residues 453-473): CFLMAHNGWV[Met463Val]GDDPLRNFAE